The following is an entry in ClinVar:

NM_013291.3(CPSF1):c.2022C>G (p.Ser674=)

Gene: CPSF1 (cleavage and polyadenylation specific factor 1; minus strand). Cytogenetic location: 8q24.3.
Variant type: single nucleotide variant.
Coding change: c.2022C>G on transcript NM_013291.3 (MANE Select); coding-DNA position 2022, C replaced by G.
Protein change: p.Ser674=; no amino-acid change (serine 674 retained).
Molecular consequence: synonymous variant.
Genome position (GRCh38, 1-based): chr8:144,398,005, G>C on the plus strand (C>G on the coding strand, the complement: CPSF1 is on the minus strand). VCF-style: chr8-144398005-G-C. GRCh37 (hg19) VCF-style: chr8-145623220-G-C.
Identifiers: ClinVar variation 3051989 (VCV003051989.2), dbSNP rs148200138, ClinGen allele CA4940157.
Genomic context (GRCh38, chr8:144,398,005, plus strand): 5'-GGGGCCTACATGGTGCAGCGGGGGCTTGTGCAGCGCCAGGCGGTGGTGGCGGCCACCGTA[G>C]GAGTCACTCTTCAGCAGGAACATGGTGACGTGGCCCTCGGCACTCATGATGACCACATAG-3'
Protein context (NP_037423.2, residues 664-684): HVTMFLLKSD[Ser674=]YGGRHHRLAL

ClinVar aggregate classification (germline): Benign (0 of 4 stars; one submission).

Conditions:
CPSF1-related disorder. Also called: CPSF1-related condition.

Allele frequency attached by ClinVar (database versions not stated): gnomAD exomes 0.00018; ExAC 0.00049; ESP Exome Variant Server 0.00123; gnomAD 0.00132; TOPMed 0.00157; 1000 Genomes Project 0.00220; 1000 Genomes Project 30x 0.00265.
gnomAD v4.1: 472 of 1,611,892 alleles (0.029%); highest among the groups gnomAD compares: African/African-American, 0.49%; 2 homozygotes.

Submission:

PreventionGenetics, part of Exact Sciences
Classification: Benign for CPSF1-related condition. Last evaluated: 2020-11-20. Review status: no assertion criteria provided. Collection method: clinical testing. Allele origin: germline.
Comment: This variant is classified as benign based on ACMG/AMP sequence variant interpretation guidelines (Richards et al. 2015 PMID: 25741868, with internal and published modifications).